The following is an entry in ClinVar:

ClinVar aggregate classification (germline): Uncertain significance (1 of 4 stars; one submission).

Submission:

Labcorp Genetics (formerly Invitae), Labcorp
Classification: Uncertain significance. Last evaluated: 2025-05-29. Review status: criteria provided, single submitter. Criteria: Invitae Variant Classification Sherloc (09022015). Collection method: clinical testing. Allele origin: germline.
Comment: This sequence change replaces proline, which is neutral and non-polar, with alanine, which is neutral and non-polar, at codon 2412 of the FAT4 protein (p.Pro2412Ala). This variant is not present in population databases (gnomAD no frequency). This variant has not been reported in the literature in individuals affected with FAT4-related conditions. ClinVar contains an entry for this variant (Variation ID: 2072853). Invitae Evidence Modeling of protein sequence and biophysical properties (such as structural, functional, and spatial information, amino acid conservation, physicochemical variation, residue mobility, and thermodynamic stability) indicates that this missense variant is not expected to disrupt FAT4 protein function with a negative predictive value of 80%. In summary, the available evidence is currently insufficient to determine the role of this variant in disease. Therefore, it has been classified as a Variant of Uncertain Significance.

NM_001291303.3(FAT4):c.7240C>G (p.Pro2414Ala)

Gene: FAT4 (FAT atypical cadherin 4; plus strand). Cytogenetic location: 4q28.1.
Variant type: single nucleotide variant.
Coding change: c.7240C>G on transcript NM_001291303.3 (MANE Select); coding-DNA position 7240, C replaced by G.
Protein change: p.Pro2414Ala; replaces proline 2414 with alanine.
Molecular consequence: missense variant.
Genome position (GRCh38, 1-based): chr4:125,446,333, C>G. VCF-style: chr4-125446333-C-G. GRCh37 (hg19) VCF-style: chr4-126367488-C-G.
Other names: c.7240C>G, p.Pro2414Ala (NM_001291285.3); c.7234C>G, p.Pro2412Ala (NM_024582.6); short protein forms P2412A, P2414A.
Identifiers: ClinVar variation 2072853 (VCV002072853.4), dbSNP rs369092138, ClinGen allele CA358138280.